The following is an entry in ClinVar:

NM_001365951.3(KIF1B):c.1777+7A>T

Gene: KIF1B (kinesin family member 1B; plus strand). Cytogenetic location: 1p36.22.
Variant type: single nucleotide variant.
Coding change: c.1777+7A>T on transcript NM_001365951.3 (MANE Select); 7 bases into the intron after coding-DNA position 1777, A replaced by T.
Molecular consequence: intron variant.
Genome position (GRCh38, 1-based): chr1:10,295,773, A>T. VCF-style: chr1-10295773-A-T. GRCh37 (hg19) VCF-style: chr1-10355831-A-T.
Other names: c.1639+7A>T (NM_183416.4, NM_015074.3, NM_001365953.1); c.1777+7A>T (NM_001365952.1).
Identifiers: ClinVar variation 476781 (VCV000476781.25), dbSNP rs367898139, ClinGen allele CA581074.

ClinVar aggregate classification (germline): Benign/Likely benign. Review status: criteria provided, multiple submitters, no conflicts (2 of 4 stars). 2 submissions from 2 submitters: Benign (1); Likely benign (1). Last evaluated 2025-11-09.

Conditions:
Charcot-Marie-Tooth disease type 2. Also called: Charcot-Marie-Tooth type 2. Identifiers: Orphanet 64746, MedGen C0270914, MONDO:0018993.

Allele frequency attached by ClinVar (database versions not stated): gnomAD below 0.00001 and 0.00004; TOPMed 0.00002; 1000 Genomes Project 30x 0.00031; 1000 Genomes Project 0.00040.
gnomAD v4.1: 162 of 1,606,364 alleles (0.01%); highest among the groups gnomAD compares: South Asian, 0.17%; no homozygotes.

Submissions (2):

Labcorp Genetics (formerly Invitae), Labcorp
Classification: Benign for Charcot-Marie-Tooth disease type 2. Last evaluated: 2025-11-09. Review status: criteria provided, single submitter. Criteria: Invitae Variant Classification Sherloc (09022015). Collection method: clinical testing. Allele origin: germline.

CeGaT Center for Human Genetics Tuebingen
Classification: Likely benign. Last evaluated: 2025-06-01. Review status: criteria provided, single submitter. Criteria: CeGaT Center For Human Genetics Tuebingen Variant Classification Criteria Version 2. Collection method: clinical testing. Allele origin: germline. Affected: yes. Observed: 2 variant alleles.
Comment: KIF1B: BP4, BS1